The following is an entry in ClinVar:

ClinVar aggregate classification (germline): Pathogenic (3 of 4 stars; one submission).

Conditions:
Breast-ovarian cancer, familial, susceptibility to, 2 (BROVCA2). Also called: BRCA2 Hereditary Breast and Ovarian Cancer. Identifiers: Orphanet 145, MedGen C2675520, MONDO:0012933, OMIM 612555. Disease mechanism: loss of function.

Submission:

Evidence-based Network for the Interpretation of Germline Mutant Alleles (ENIGMA)
Classification: Pathogenic for Breast-ovarian cancer, familial, susceptibility to, 2. Last evaluated: 2016-09-08. Review status: reviewed by expert panel. Criteria: ENIGMA BRCA1/2 Classification Criteria (2015). Collection method: curation. Allele origin: germline.
Comment: Variant allele predicted to encode a truncated non-functional protein.

NM_000059.4(BRCA2):c.6422dup (p.Ser2142fs)

Gene: BRCA2 (BRCA2 DNA repair associated; plus strand). Cytogenetic location: 13q13.1.
Variant type: Duplication.
Coding change: c.6422dup on transcript NM_000059.4 (MANE Select); coding-DNA position 6422, one base duplicated (G; older notation c.6422dupG).
Protein change: p.Ser2142fs; shifts the reading frame from serine 2142.
Molecular consequence: frameshift variant.
Genome position (GRCh38, 1-based): chr13:32,340,777, G duplicated; the last of 2 consecutive G bases (chr13:32,340,776-32,340,777); duplicating either gives the same sequence. VCF-style (leftmost placement, unchanged base first): chr13-32340775-T-TG. GRCh37 (hg19) VCF-style: chr13-32914912-T-TG.
Other names: c.6422dupG (NM_000059.3); short protein forms S2142fs.
Identifiers: ClinVar variation 52091 (VCV000052091.4), dbSNP rs397507853, ClinGen allele CA024016.
Genomic context (GRCh38, chr13:32,340,775, plus strand): 5'-AGAAATGGAAAAAACCTGCAGTAAAGAATTTAAATTATCAAATAACTTAAATGTTGAAGG[T>TG]GGTTCTTCAGAAAATAATCACTCTATTAAAGTTTCTCCATATCTCTCTCAATTTCAACAA-3'